The following is an entry in ClinVar:

NM_198578.4(LRRK2):c.1949A>G (p.Gln650Arg)

Gene: LRRK2 (leucine rich repeat kinase 2; plus strand). Cytogenetic location: 12q12.
Variant type: single nucleotide variant.
Coding change: c.1949A>G on transcript NM_198578.4 (MANE Select); coding-DNA position 1949, A replaced by G.
Protein change: p.Gln650Arg; replaces glutamine 650 with arginine.
Molecular consequence: missense variant.
Genome position (GRCh38, 1-based): chr12:40,277,895, A>G. VCF-style: chr12-40277895-A-G. GRCh37 (hg19) VCF-style: chr12-40671697-A-G.
Other names: short protein forms Q650R.
Identifiers: ClinVar variation 1783171 (VCV001783171.2), dbSNP rs2499637095, ClinGen allele CA384404368.

ClinVar aggregate classification (germline): Uncertain significance (1 of 4 stars; one submission).

Conditions:
Inborn genetic diseases. Identifiers: MedGen C0950123, MeSH D030342.

Allele frequency attached by ClinVar (database versions not stated): gnomAD exomes below 0.00001.
gnomAD v4.1: 1 of 1,607,424 alleles (0.000062%); highest among the groups gnomAD compares: Non-Finnish European, 0.000085%; no homozygotes.

Submission:

Ambry Genetics
Classification: Uncertain significance for Inborn genetic diseases. Last evaluated: 2024-02-26. Review status: criteria provided, single submitter. Criteria: Ambry Variant Classification Scheme 2023. Collection method: clinical testing. Allele origin: germline.
Comment: The p.Q650R variant (also known as c.1949A>G), located in coding exon 17 of the LRRK2 gene, results from an A to G substitution at nucleotide position 1949. The glutamine at codon 650 is replaced by arginine, an amino acid with highly similar properties. This amino acid position is conserved. In addition, this alteration is predicted to be tolerated by in silico analysis. Since supporting evidence is limited at this time, the clinical significance of this alteration remains unclear.